The following is an entry in ClinVar:

NM_007236.5(CHP1):c.474G>A (p.Arg158=)

Gene: CHP1 (calcineurin like EF-hand protein 1; plus strand). Cytogenetic location: 15q15.1.
Variant type: single nucleotide variant.
Coding change: c.474G>A on transcript NM_007236.5 (MANE Select); coding-DNA position 474, G replaced by A.
Protein change: p.Arg158=; no amino-acid change (arginine 158 retained).
Molecular consequence: synonymous variant.
Genome position (GRCh38, 1-based): chr15:41,278,829, G>A. VCF-style: chr15-41278829-G-A. GRCh37 (hg19) VCF-style: chr15-41571027-G-A.
Identifiers: ClinVar variation 3045325 (VCV003045325.2), dbSNP rs75179002, ClinGen allele CA7490382.

ClinVar aggregate classification (germline): Benign (0 of 4 stars; one submission).

Conditions:
CHP1-related disorder. Also called: CHP1-related condition.

Allele frequency attached by ClinVar (database versions not stated): gnomAD 0.00084; gnomAD exomes 0.00094; ExAC 0.00117; TOPMed 0.00127; ESP Exome Variant Server 0.00131.
gnomAD v4.1: 1,548 of 1,614,182 alleles (0.096%); highest among the groups gnomAD compares: Admixed American, 0.24%; 1 homozygote.

Submission:

PreventionGenetics, part of Exact Sciences
Classification: Benign for CHP1-related condition. Last evaluated: 2019-10-28. Review status: no assertion criteria provided. Collection method: clinical testing. Allele origin: germline.
Comment: This variant is classified as benign based on ACMG/AMP sequence variant interpretation guidelines (Richards et al. 2015 PMID: 25741868, with internal and published modifications).